The following is an entry in ClinVar:

NC_000004.11:g.(?_55124936)_(55604723_?)dup

Genes: KIT (KIT proto-oncogene, receptor tyrosine kinase; plus strand), PDGFRA (platelet derived growth factor receptor alpha; plus strand). Cytogenetic location: 4q12.
Variant type: Duplication.
Identifiers: ClinVar variation 832071 (VCV000832071.1).

ClinVar aggregate classification (germline): Uncertain significance (1 of 4 stars; one submission).

Conditions:
Gastrointestinal stromal tumor. Also called: Gastrointestinal stromal tumor, somatic; Gastrointestinal stroma tumor. Identifiers: Orphanet 44890, MedGen C0238198, MeSH D046152, MONDO:0011719, OMIM 606764, HP:0100723.

Submission:

Labcorp Genetics (formerly Invitae), Labcorp
Classification: Uncertain significance for Gastrointestinal stroma tumor. Last evaluated: 2019-10-29. Review status: criteria provided, single submitter. Criteria: Invitae Variant Classification Sherloc (09022015). Collection method: clinical testing. Allele origin: germline.
Comment: This variant results in a copy number gain of the genomic region encompassing the full coding sequence of the KIT gene. The boundaries of this event are unknown as they extend beyond the assayed region for this gene and therefore may encompass additional genes. As the precise location of this event is unknown, it may be in tandem or it may be located elsewhere in the genome. This variant has not been reported in the literature in individuals with KIT-related disease. In summary, the available evidence is currently insufficient to determine the role of this variant in disease. Therefore, it has been classified as a Variant of Uncertain Significance.